The following is an entry in ClinVar:

ClinVar aggregate classification (germline): Benign/Likely benign. Review status: criteria provided, multiple submitters, no conflicts (2 of 4 stars). 8 submissions from 8 submitters: Benign (1); Likely benign (7). Last evaluated 2026-01-28.

Conditions:
DSP-related disorder. Also called: DSP-related disorders; DSP-related condition.
Cardiovascular phenotype. Identifiers: MedGen CN230736.
Cardiomyopathy (CMYO). Also called: Cardiomyopathies. Identifiers: Orphanet 167848, MedGen C0878544, MONDO:0004994, HP:0001638. Inheritance: Various modes of inheritance.
Arrhythmogenic right ventricular dysplasia 8 (ARVD8). Also called: Arrhythmogenic Right Ventricular Dysplasia/Cardiomyopathy 8; ARRHYTHMOGENIC RIGHT VENTRICULAR DYSPLASIA, FAMILIAL, 8; ARRHYTHMOGENIC RIGHT VENTRICULAR CARDIOMYOPATHY 8. Identifiers: MedGen C1843896, MONDO:0011831, OMIM 607450.
Arrhythmogenic cardiomyopathy with wooly hair and keratoderma. Also called: Dilated cardiomyopathy with woolly hair and keratoderma; Arrhythmogenic cardiomyopathy with woolly hair and keratoderma; Carvajal syndrome; PALMOPLANTAR KERATODERMA WITH LEFT VENTRICULAR CARDIOMYOPATHY AND WOOLLY HAIR. Identifiers: Orphanet 65282, MedGen C1854063, MONDO:0011581, OMIM 605676.

Allele frequency attached by ClinVar (database versions not stated): ESP Exome Variant Server 0.00008; gnomAD 0.00010 and 0.00011; TOPMed 0.00011; ExAC 0.00023.
gnomAD v4.1: 258 of 1,614,094 alleles (0.016%); highest among the groups gnomAD compares: Non-Finnish European, 0.02%; no homozygotes.

Submissions (8):

Labcorp Genetics (formerly Invitae), Labcorp
Classification: Likely benign for Arrhythmogenic cardiomyopathy with wooly hair and keratoderma; Arrhythmogenic right ventricular dysplasia 8. Last evaluated: 2026-01-28. Review status: criteria provided, single submitter. Criteria: Invitae Variant Classification Sherloc (09022015). Collection method: clinical testing. Allele origin: germline.

PreventionGenetics, part of Exact Sciences
Classification: Likely benign for DSP-related condition. Last evaluated: 2025-12-04. Review status: criteria provided, single submitter. Criteria: ACMG Guidelines, 2015. Collection method: clinical testing. Allele origin: germline.
Comment: This variant is classified as likely benign based on ACMG/AMP sequence variant interpretation guidelines (Richards et al. 2015 PMID: 25741868, with internal and published modifications).

Blueprint Genetics
Classification: Likely benign. Last evaluated: 2024-08-08. Review status: criteria provided, single submitter. Criteria: ACMG Guidelines, 2015. Collection method: clinical testing. Allele origin: germline.

Women's Health and Genetics/Laboratory Corporation of America, LabCorp
Classification: Likely benign. Last evaluated: 2024-06-17. Review status: criteria provided, single submitter. Criteria: LabCorp Variant Classification Summary - May 2015. Collection method: clinical testing. Allele origin: germline.

All of Us Research Program, National Institutes of Health
Classification: Likely benign for Arrhythmogenic cardiomyopathy with wooly hair and keratoderma. Last evaluated: 2024-02-05. Review status: criteria provided, single submitter. Criteria: ACMG Guidelines, 2015. Collection method: clinical testing. Allele origin: germline. Inheritance: Autosomal dominant inheritance. Observed: 27 variant alleles, 27 heterozygotes.
Comment: This study involves interpretation of variants in research participants for the purpose of population health screening. Participant phenotype was not available at the time of variant classification. Additional details can be found in publication PMID: 35346344, PMCID: PMC8962531

Color Diagnostics, LLC DBA Color Health
Classification: Likely benign for Cardiomyopathy. Last evaluated: 2019-05-20. Review status: criteria provided, single submitter. Criteria: ACMG Guidelines, 2015. Collection method: clinical testing. Allele origin: germline.

Ambry Genetics
Classification: Likely benign for Cardiovascular phenotype. Last evaluated: 2016-05-31. Review status: criteria provided, single submitter. Criteria: Ambry Variant Classification Scheme 2023. Collection method: clinical testing. Allele origin: germline.

GeneDx
Classification: Benign. Last evaluated: 2014-05-22. Review status: criteria provided, single submitter. Criteria: GeneDx Variant Classification (06012015). Collection method: clinical testing. Allele origin: germline. Affected: yes.
Comment: This variant is considered likely benign or benign based on one or more of the following criteria: it is a conservative change, it occurs at a poorly conserved position in the protein, it is predicted to be benign by multiple in silico algorithms, and/or has population frequency not consistent with disease.

NM_004415.4(DSP):c.237C>T (p.Ser79=)

Gene: DSP (desmoplakin; plus strand). Cytogenetic location: 6p24.3.
Variant type: single nucleotide variant.
Coding change: c.237C>T on transcript NM_004415.4 (MANE Select); coding-DNA position 237, C replaced by T.
Protein change: p.Ser79=; no amino-acid change (serine 79 retained).
Molecular consequence: synonymous variant.
Genome position (GRCh38, 1-based): chr6:7,555,784, C>T. VCF-style: chr6-7555784-C-T. GRCh37 (hg19) VCF-style: chr6-7556017-C-T.
Other names: p.S79S:TCC>TCT; c.237C>T (LRG_423t1, NM_004415.3); c.237C>T, p.Ser79= (NM_001008844.3, NM_001319034.2).
Identifiers: ClinVar variation 199835 (VCV000199835.22), dbSNP rs146521568, ClinGen allele CA005348.